The following is an entry in ClinVar:

NM_000082.4(ERCC8):c.600T>A (p.Tyr200Ter)

Gene: ERCC8 (ERCC excision repair 8, CSA ubiquitin ligase complex subunit; minus strand). Cytogenetic location: 5q12.1.
Variant type: single nucleotide variant.
Coding change: c.600T>A on transcript NM_000082.4 (MANE Select); coding-DNA position 600, T replaced by A.
Protein change: p.Tyr200Ter; replaces tyrosine 200 with a stop codon.
Molecular consequence: nonsense.
Genome position (GRCh38, 1-based): chr5:60,902,459, A>T on the plus strand (T>A on the coding strand, the complement: ERCC8 is on the minus strand). VCF-style: chr5-60902459-A-T. GRCh37 (hg19) VCF-style: chr5-60198286-A-T.
Other names: c.426T>A, p.Tyr142Ter (NM_001007233.3); c.141T>A, p.Tyr47Ter (NM_001290285.2); short protein forms Y200*, Y47*, Y142*.
Identifiers: ClinVar variation 493410 (VCV000493410.44), dbSNP rs1554073309, ClinGen allele CA359825850.

ClinVar aggregate classification (germline): Pathogenic/Likely pathogenic. Review status: criteria provided, multiple submitters, no conflicts (2 of 4 stars). 2 submissions from 2 submitters: Pathogenic (1); Likely pathogenic (1). Last evaluated 2024-05-08.

Conditions:
Cockayne syndrome type 1. Also called: Cockayne syndrome type I; Cockayne syndrome classical; Cockayne syndrome classic form. Identifiers: Orphanet 191, Orphanet 90321, MedGen C0751039, MONDO:0019569, OMIM 216400.

Submissions (2):

Myriad Genetics, Inc.
Classification: Pathogenic for Cockayne syndrome type 1. Last evaluated: 2024-05-08. Review status: criteria provided, single submitter. Criteria: Myriad Autosomal Dominant, Autosomal Recessive and X-Linked Classification Criteria (2023). Collection method: clinical testing. Allele origin: unknown.
Comment: NM_000082.3(ERCC8):c.600T>A(Y200*) is expected to be pathogenic in the context of ERCC8-related disorders. This variant is predicted to lead to an abnormal or absent protein product due to the creation of a premature termination codon in ERCC8, a gene where loss-of-function variants are known to be pathogenic. Please note: this variant was assessed in the context of healthy population screening.

CeGaT Center for Human Genetics Tuebingen
Classification: Likely pathogenic. Last evaluated: 2017-10-01. Review status: criteria provided, single submitter. Criteria: CeGaT Center For Human Genetics Tuebingen Variant Classification Criteria Version 2. Collection method: clinical testing. Allele origin: germline. Affected: yes. Observed: 1 variant allele.